The following is an entry in ClinVar:

ClinVar aggregate classification (germline): Pathogenic (1 of 4 stars; one submission).

Submission:

Labcorp Genetics (formerly Invitae), Labcorp
Classification: Pathogenic. Last evaluated: 2020-02-18. Review status: criteria provided, single submitter. Criteria: Invitae Variant Classification Sherloc (09022015). Collection method: clinical testing. Allele origin: germline.
Comment: This sequence change creates a premature translational stop signal (p.Ser321Alafs*91) in the SLC4A11 gene. It is expected to result in an absent or disrupted protein product. This variant is not present in population databases (ExAC no frequency). This variant has not been reported in the literature in individuals with SLC4A11-related conditions. Loss-of-function variants in SLC4A11 are known to be pathogenic (PMID: 17220209, 17679935). For these reasons, this variant has been classified as Pathogenic.

Literature cited by the submitters: PubMed 17220209; PubMed 17679935.

NM_001174089.2(SLC4A11):c.912del (p.Ser305fs)

Gene: SLC4A11 (solute carrier family 4 member 11; minus strand). Cytogenetic location: 20p13.
Variant type: Deletion.
Coding change: c.912del on transcript NM_001174089.2 (MANE Select); coding-DNA position 912, one base deleted (C; older notation c.912delC).
Protein change: p.Ser305fs; shifts the reading frame from serine 305.
Molecular consequence: frameshift variant. On other transcripts: non-coding transcript variant (1).
Genome position (GRCh38, 1-based): chr20:3,231,366, G deleted on the plus strand (C on the coding strand, the reverse complement: SLC4A11 is on the minus strand). VCF-style (leftmost placement, unchanged base first): chr20-3231365-TG-T. GRCh37 (hg19) VCF-style: chr20-3212011-TG-T.
Other names: c.1041del, p.Ser348fs (NM_001174090.2); c.912del, p.Ser305fs (NM_001363745.2); c.960del, p.Ser321fs (NM_032034.4); short protein forms S305fs, S321fs, S348fs.
Identifiers: ClinVar variation 1070931 (VCV001070931.7), dbSNP rs2122557589, ClinGen allele CA2499225716.